The following is an entry in ClinVar:

ClinVar aggregate classification (germline): Uncertain significance. Review status: criteria provided, multiple submitters, no conflicts (2 of 4 stars). 2 submissions from 2 submitters: Uncertain significance (2). Last evaluated 2023-06-30.

Conditions:
Microcephaly, normal intelligence and immunodeficiency (NBS). Also called: BERLIN BREAKAGE SYNDROME; Nijmegen breakage syndrome; Microcephaly with normal intelligence immunodeficiency and lymphoreticular malignancies; Nonsyndromal microcephaly autosomal recessive with normal intelligence; Seemanova syndrome 2; IMMUNODEFICIENCY, MICROCEPHALY, AND CHROMOSOMAL INSTABILITY. Identifiers: Orphanet 647, MedGen C0398791, MONDO:0009623, OMIM 251260.
Hereditary cancer-predisposing syndrome. Also called: Neoplastic Syndromes, Hereditary; Tumor predisposition; Hereditary neoplastic syndrome; Hereditary Cancer Syndrome. Identifiers: Orphanet 140162, MedGen C0027672, MeSH D009386, MONDO:0015356.

Submissions (2):

Ambry Genetics
Classification: Uncertain significance for Hereditary cancer-predisposing syndrome. Last evaluated: 2023-06-30. Review status: criteria provided, single submitter. Criteria: Ambry Variant Classification Scheme 2023. Collection method: clinical testing. Allele origin: germline.
Comment: The p.M353V variant (also known as c.1057A>G), located in coding exon 9 of the NBN gene, results from an A to G substitution at nucleotide position 1057. The methionine at codon 353 is replaced by valine, an amino acid with highly similar properties. This amino acid position is conserved. In addition, this alteration is predicted to be tolerated by in silico analysis. Since supporting evidence is limited at this time, the clinical significance of this alteration remains unclear.

Labcorp Genetics (formerly Invitae), Labcorp
Classification: Uncertain significance for Microcephaly, normal intelligence and immunodeficiency. Last evaluated: 2022-11-14. Review status: criteria provided, single submitter. Criteria: Invitae Variant Classification Sherloc (09022015). Collection method: clinical testing. Allele origin: germline.
Comment: This sequence change replaces methionine, which is neutral and non-polar, with valine, which is neutral and non-polar, at codon 353 of the NBN protein (p.Met353Val). This variant is not present in population databases (gnomAD no frequency). This variant has not been reported in the literature in individuals affected with NBN-related conditions. ClinVar contains an entry for this variant (Variation ID: 1484318). Algorithms developed to predict the effect of missense changes on protein structure and function (SIFT, PolyPhen-2, Align-GVGD) all suggest that this variant is likely to be tolerated. In summary, the available evidence is currently insufficient to determine the role of this variant in disease. Therefore, it has been classified as a Variant of Uncertain Significance.

NM_002485.5(NBN):c.1057A>G (p.Met353Val)

Gene: NBN (nibrin; minus strand). Cytogenetic location: 8q21.3.
Variant type: single nucleotide variant.
Coding change: c.1057A>G on transcript NM_002485.5 (MANE Select); coding-DNA position 1057, A replaced by G.
Protein change: p.Met353Val; replaces methionine 353 with valine.
Molecular consequence: missense variant.
Genome position (GRCh38, 1-based): chr8:89,958,792, T>C on the plus strand (A>G on the coding strand, the complement: NBN is on the minus strand). VCF-style: chr8-89958792-T-C. GRCh37 (hg19) VCF-style: chr8-90971020-T-C.
Other names: c.811A>G, p.Met271Val (NM_001024688.3); c.1057A>G (NM_002485.4); short protein forms M271V, M353V.
Identifiers: ClinVar variation 1484318 (VCV001484318.9), dbSNP rs864622489, ClinGen allele CA371656699.